The following is an entry in ClinVar:

ClinVar aggregate classification (germline): Uncertain significance. Review status: criteria provided, multiple submitters, no conflicts (2 of 4 stars). 2 submissions from 2 submitters: Uncertain significance (2). Last evaluated 2025-10-30.

Allele frequency attached by ClinVar (database versions not stated): gnomAD exomes below 0.00001; TOPMed 0.00002; gnomAD 0.00002.
gnomAD v4.1: 4 of 1,535,852 alleles (0.00026%); highest among the groups gnomAD compares: African/African-American, 0.0056%; no homozygotes.

Submissions (2):

Ambry Genetics
Classification: Uncertain significance. Last evaluated: 2025-10-30. Review status: criteria provided, single submitter. Criteria: Ambry Variant Classification Scheme 2023. Collection method: clinical testing. Allele origin: germline.

Labcorp Genetics (formerly Invitae), Labcorp
Classification: Uncertain significance. Last evaluated: 2022-01-08. Review status: criteria provided, single submitter. Criteria: Invitae Variant Classification Sherloc (09022015). Collection method: clinical testing. Allele origin: germline.
Comment: In summary, the available evidence is currently insufficient to determine the role of this variant in disease. Therefore, it has been classified as a Variant of Uncertain Significance. Advanced modeling of protein sequence and biophysical properties (such as structural, functional, and spatial information, amino acid conservation, physicochemical variation, residue mobility, and thermodynamic stability) performed at Invitae indicates that this missense variant is not expected to disrupt CACNA1B protein function. This variant has not been reported in the literature in individuals affected with CACNA1B-related conditions. This variant is present in population databases (no rsID available, gnomAD 0.01%). This sequence change replaces glutamic acid, which is acidic and polar, with valine, which is neutral and non-polar, at codon 790 of the CACNA1B protein (p.Glu790Val).

NM_000718.4(CACNA1B):c.2369A>T (p.Glu790Val)

Gene: CACNA1B (calcium voltage-gated channel subunit alpha1 B; plus strand). Cytogenetic location: 9q34.3.
Variant type: single nucleotide variant.
Coding change: c.2369A>T on transcript NM_000718.4 (MANE Select); coding-DNA position 2369, A replaced by T.
Protein change: p.Glu790Val; replaces glutamic acid 790 with valine.
Molecular consequence: missense variant.
Genome position (GRCh38, 1-based): chr9:138,023,112, A>T. VCF-style: chr9-138023112-A-T. GRCh37 (hg19) VCF-style: chr9-140917564-A-T.
Other names: c.2369A>T, p.Glu790Val (NM_001243812.2); c.2369A>T (NM_000718.3); short protein forms E790V.
Identifiers: ClinVar variation 2028236 (VCV002028236.3), dbSNP rs1171442373, ClinGen allele CA375809253.